The following is an entry in ClinVar:

ClinVar aggregate classification (germline): Uncertain significance (1 of 4 stars; one submission).

Submission:

GeneDx
Classification: Uncertain significance. Last evaluated: 2024-03-11. Review status: criteria provided, single submitter. Criteria: GeneDx Variant Classification Process June 2021. Collection method: clinical testing. Allele origin: germline. Affected: yes.
Comment: Variants in candidate genes are classified as variants of uncertain significance in accordance with ACMG guidelines (PMID: 25741868); Not observed at significant frequency in large population cohorts (gnomAD); In silico analysis supports that this missense variant has a deleterious effect on protein structure/function; In silico analysis supports a deleterious effect on splicing; Has not been previously published as pathogenic or benign to our knowledge

NM_000718.4(CACNA1B):c.1159G>A (p.Gly387Arg)

Gene: CACNA1B (calcium voltage-gated channel subunit alpha1 B; plus strand). Cytogenetic location: 9q34.3.
Variant type: single nucleotide variant.
Coding change: c.1159G>A on transcript NM_000718.4 (MANE Select); coding-DNA position 1159, G replaced by A.
Protein change: p.Gly387Arg; replaces glycine 387 with arginine.
Molecular consequence: missense variant.
Genome position (GRCh38, 1-based): chr9:137,955,786, G>A. VCF-style: chr9-137955786-G-A. GRCh37 (hg19) VCF-style: chr9-140850238-G-A.
Other names: c.1159G>A, p.Gly387Arg (NM_001243812.2); short protein forms G387R.
Identifiers: ClinVar variation 3370658 (VCV003370658.1).